The following is an entry in ClinVar:

NM_024120.5(NDUFAF5):c.222+18C>T

Gene: NDUFAF5 (NADH:ubiquinone oxidoreductase complex assembly factor 5; plus strand). Cytogenetic location: 20p12.1.
Variant type: single nucleotide variant.
Coding change: c.222+18C>T on transcript NM_024120.5 (MANE Select); 18 bases into the intron after coding-DNA position 222, C replaced by T.
Molecular consequence: intron variant.
Genome position (GRCh38, 1-based): chr20:13,785,308, C>T. VCF-style: chr20-13785308-C-T. GRCh37 (hg19) VCF-style: chr20-13765954-C-T.
Other names: c.-474+18C>T (NM_001352407.2); c.-360+18C>T (NM_001352406.2); c.222+18C>T (NM_001039375.3, NM_001352408.2); c.-146+18C>T (NM_001352403.2).
Identifiers: ClinVar variation 136601 (VCV000136601.12), dbSNP rs113805278, ClinGen allele CA289772.

ClinVar aggregate classification (germline): Benign. Review status: criteria provided, multiple submitters, no conflicts (2 of 4 stars). 3 submissions from 3 submitters: Benign (3). Last evaluated 2026-02-04.

Allele frequency attached by ClinVar (database versions not stated): gnomAD exomes 0.00257; ExAC 0.00429; ESP Exome Variant Server 0.00867; 1000 Genomes Project 0.00938; gnomAD 0.00967 and 0.01026; 1000 Genomes Project 30x 0.00999; TOPMed 0.01084.
gnomAD v4.1: 3,188 of 1,570,386 alleles (0.2%); highest among the groups gnomAD compares: African/African-American, 3.3%; 52 homozygotes.

Submissions (6):

Labcorp Genetics (formerly Invitae), Labcorp
Classification: Benign. Last evaluated: 2026-02-04. Review status: criteria provided, single submitter. Criteria: Invitae Variant Classification Sherloc (09022015). Collection method: clinical testing. Allele origin: germline.

GeneDx
Classification: Benign. Last evaluated: 2014-05-27. Review status: criteria provided, single submitter. Criteria: GeneDx Variant Classification (06012015). Collection method: clinical testing. Allele origin: germline. Affected: yes.
Comment: This variant is considered likely benign or benign based on one or more of the following criteria: it is a conservative change, it occurs at a poorly conserved position in the protein, it is predicted to be benign by multiple in silico algorithms, and/or has population frequency not consistent with disease.

Breakthrough Genomics
Classification: Benign. Review status: criteria provided, single submitter. Criteria: ACMG Guidelines, 2015. Collection method: not provided. Allele origin: germline. Inheritance: Autosomal recessive inheritance. Affected: yes.

Dr. Peter K. Rogan Lab, Western University
No classification provided (evidence only). Condition: Uterine corpus endometrial carcinoma. Review status: no classification provided. Collection method: in vitro. Allele origin: not applicable. Functional consequence: retained intron. Not counted in ClinVar's aggregate classification.

Dr. Peter K. Rogan Lab, Western University
No classification provided (evidence only). Condition: Uterine corpus endometrial carcinoma. Review status: no classification provided. Collection method: in vitro. Allele origin: not applicable. Functional consequence: retained intron. Not counted in ClinVar's aggregate classification.

Dr. Peter K. Rogan Lab, Western University
No classification provided (evidence only). Condition: Uterine carcinosarcoma. Review status: no classification provided. Collection method: in vitro. Allele origin: not applicable. Functional consequence: retained intron. Not counted in ClinVar's aggregate classification.